The following is an entry in ClinVar:

NM_001378454.1(ALMS1):c.12507A>G (p.Ter4169Trp)

Gene: ALMS1 (ALMS1 centrosome and basal body associated protein; plus strand). Cytogenetic location: 2p13.1.
Variant type: single nucleotide variant.
Coding change: c.12507A>G on transcript NM_001378454.1 (MANE Select); coding-DNA position 12507, A replaced by G.
Protein change: p.Ter4169Trp.
Molecular consequence: stop lost.
Genome position (GRCh38, 1-based): chr2:73,609,612, A>G. VCF-style: chr2-73609612-A-G. GRCh37 (hg19) VCF-style: chr2-73836739-A-G.
Other names: c.12510A>G, p.Ter4170Trp (NM_015120.4).
Identifiers: ClinVar variation 2017456 (VCV002017456.4), dbSNP rs1240376479, ClinGen allele CA347276661.
Genomic context (GRCh38, chr2:73,609,612, plus strand): 5'-TTCTTTTCTTCTACAGAGAGTGACCAATCAACTTCTGGGGAGAAAAGTTCCCTGGGACTG[A>G]CACAAGTTTATTTTCCTCAGAGCCTTGGAATTCTATTTTATGAACCTAGAGAAGCAGAAT-3'

ClinVar aggregate classification (germline): Uncertain significance (1 of 4 stars; one submission).

Conditions:
Alstrom syndrome (ALMS). Identifiers: Orphanet 64, MedGen C0268425, MONDO:0008763, OMIM 203800.

Allele frequency attached by ClinVar (database versions not stated): gnomAD exomes below 0.00001.
gnomAD v4.1: 1 of 1,613,998 alleles (0.000062%); highest among the groups gnomAD compares: South Asian, 0.0011%; no homozygotes.

Submission:

Labcorp Genetics (formerly Invitae), Labcorp
Classification: Uncertain significance for Alstrom syndrome. Last evaluated: 2023-07-17. Review status: criteria provided, single submitter. Criteria: Invitae Variant Classification Sherloc (09022015). Collection method: clinical testing. Allele origin: germline.
Comment: In summary, the available evidence is currently insufficient to determine the role of this variant in disease. Therefore, it has been classified as a Variant of Uncertain Significance. Experimental studies and prediction algorithms are not available or were not evaluated, and the functional significance of this variant is currently unknown. ClinVar contains an entry for this variant (Variation ID: 2017456). This variant has not been reported in the literature in individuals affected with ALMS1-related conditions. This variant is present in population databases (no rsID available, gnomAD 0.003%). This sequence change disrupts the translational stop signal of the ALMS1 mRNA. It is expected to extend the length of the ALMS1 protein by 28 additional amino acid residues.